The following is an entry in ClinVar:

NM_004408.4(DNM1):c.2255C>T (p.Thr752Met)

Gene: DNM1 (dynamin 1; plus strand). Cytogenetic location: 9q34.11.
Variant type: single nucleotide variant.
Coding change: c.2255C>T on transcript NM_004408.4 (MANE Select); coding-DNA position 2255, C replaced by T.
Protein change: p.Thr752Met; replaces threonine 752 with methionine.
Molecular consequence: missense variant.
Genome position (GRCh38, 1-based): chr9:128,250,293, C>T. VCF-style: chr9-128250293-C-T. GRCh37 (hg19) VCF-style: chr9-131012572-C-T.
Other names: c.2255C>T, p.Thr752Met (NM_001005336.3, NM_001288737.2, NM_001288738.2 and 2 more transcripts); short protein forms T752M.
Identifiers: ClinVar variation 3669794 (VCV003669794.2).

ClinVar aggregate classification (germline): Uncertain significance (1 of 4 stars; one submission).

Conditions:
Developmental and epileptic encephalopathy, 31A. Also called: Epileptic encephalopathy, early infantile, 31; Developmental and epileptic encephalopathy, 31. Identifiers: Orphanet 2382, MedGen C4225357, MONDO:0014598, OMIM 616346.

Submission:

Labcorp Genetics (formerly Invitae), Labcorp
Classification: Uncertain significance for Developmental and epileptic encephalopathy, 31A. Last evaluated: 2024-08-15. Review status: criteria provided, single submitter. Criteria: Invitae Variant Classification Sherloc (09022015). Collection method: clinical testing. Allele origin: germline.
Comment: This sequence change replaces threonine, which is neutral and polar, with methionine, which is neutral and non-polar, at codon 752 of the DNM1 protein (p.Thr752Met). This variant is not present in population databases (gnomAD no frequency). This variant has not been reported in the literature in individuals affected with DNM1-related conditions. Invitae Evidence Modeling of protein sequence and biophysical properties (such as structural, functional, and spatial information, amino acid conservation, physicochemical variation, residue mobility, and thermodynamic stability) has been performed for this missense variant. However, the output from this modeling did not meet the statistical confidence thresholds required to predict the impact of this variant on DNM1 protein function. In summary, the available evidence is currently insufficient to determine the role of this variant in disease. Therefore, it has been classified as a Variant of Uncertain Significance.